The following is an entry in ClinVar:

NM_001042492.3(NF1):c.3928A>G (p.Thr1310Ala)

Gene: NF1 (neurofibromin 1; plus strand). Cytogenetic location: 17q11.2.
Variant type: single nucleotide variant.
Coding change: c.3928A>G on transcript NM_001042492.3 (MANE Select); coding-DNA position 3928, A replaced by G.
Protein change: p.Thr1310Ala; replaces threonine 1310 with alanine.
Molecular consequence: missense variant.
Genome position (GRCh38, 1-based): chr17:31,235,975, A>G. VCF-style: chr17-31235975-A-G. GRCh37 (hg19) VCF-style: chr17-29562993-A-G.
Other names: c.3928A>G, p.Thr1310Ala (NM_000267.4); short protein forms T1310A.
Identifiers: ClinVar variation 2828975 (VCV002828975.3), dbSNP rs2151438625, ClinGen allele CA398993181.
Genomic context (GRCh38, chr17:31,235,975, plus strand): 5'-TAGGTATATGGTGCTACCTATCTACAAAAACTCCTGGATCCTTTATTACGAATTGTGATC[A>G]CATCCTCTGATTGGCAACATGTTAGCTTTGAAGTGGATCCTACCAGGTTTGTCATCTTTT-3'
Protein context (NP_001035957.1, residues 1300-1320): LLDPLLRIVI[Thr1310Ala]SSDWQHVSFE

ClinVar aggregate classification (germline): Uncertain significance (1 of 4 stars; one submission).

Conditions:
Neurofibromatosis, type 1 (NF1). Also called: VON RECKLINGHAUSEN DISEASE; NEUROFIBROMATOSIS, TYPE I, SOMATIC; Neurofibromatosis, type I; Peripheral type neurofibromatosis. Identifiers: Orphanet 636, MedGen C0027831, MONDO:0018975, OMIM 162200. Disease mechanism: loss of function.

Allele frequency attached by ClinVar (database versions not stated): gnomAD exomes below 0.00001.

Submission:

Labcorp Genetics (formerly Invitae), Labcorp
Classification: Uncertain significance for Neurofibromatosis, type 1. Last evaluated: 2023-01-15. Review status: criteria provided, single submitter. Criteria: Invitae Variant Classification Sherloc (09022015). Collection method: clinical testing. Allele origin: germline.
Comment: In summary, the available evidence is currently insufficient to determine the role of this variant in disease. Therefore, it has been classified as a Variant of Uncertain Significance. Advanced modeling of protein sequence and biophysical properties (such as structural, functional, and spatial information, amino acid conservation, physicochemical variation, residue mobility, and thermodynamic stability) performed at Invitae indicates that this missense variant is not expected to disrupt NF1 protein function. This variant has not been reported in the literature in individuals affected with NF1-related conditions. This variant is not present in population databases (gnomAD no frequency). This sequence change replaces threonine, which is neutral and polar, with alanine, which is neutral and non-polar, at codon 1310 of the NF1 protein (p.Thr1310Ala).